The following is an entry in ClinVar:

NM_001004334.4(GPR179):c.6683A>C (p.Asp2228Ala)

Gene: GPR179 (G protein-coupled receptor 179; minus strand). Cytogenetic location: 17q12.
Variant type: single nucleotide variant.
Coding change: c.6683A>C on transcript NM_001004334.4 (MANE Select); coding-DNA position 6683, A replaced by C.
Protein change: p.Asp2228Ala; replaces aspartic acid 2228 with alanine.
Molecular consequence: missense variant.
Genome position (GRCh38, 1-based): chr17:38,326,886, T>G on the plus strand (A>C on the coding strand, the complement: GPR179 is on the minus strand). VCF-style: chr17-38326886-T-G. GRCh37 (hg19) VCF-style: chr17-36482769-T-G.
Other names: short protein forms D2228A.
Identifiers: ClinVar variation 2341243 (VCV002341243.6), dbSNP rs374054393, ClinGen allele CA290102861.

ClinVar aggregate classification (germline): Uncertain significance. Review status: criteria provided, multiple submitters, no conflicts (2 of 4 stars). 3 submissions from 3 submitters: Uncertain significance (3). Last evaluated 2023-11-21.

Conditions:
Inborn genetic diseases. Identifiers: MedGen C0950123, MeSH D030342.

Allele frequency attached by ClinVar (database versions not stated): ExAC 0.00002; ESP Exome Variant Server 0.00008; gnomAD 0.00010; TOPMed 0.00012.
gnomAD v4.1: 32 of 1,614,058 alleles (0.002%); highest among the groups gnomAD compares: African/African-American, 0.039%; no homozygotes.

Submissions (3):

Labcorp Genetics (formerly Invitae), Labcorp
Classification: Uncertain significance. Last evaluated: 2023-11-21. Review status: criteria provided, single submitter. Criteria: Invitae Variant Classification Sherloc (09022015). Collection method: clinical testing. Allele origin: germline.
Comment: This sequence change replaces aspartic acid, which is acidic and polar, with alanine, which is neutral and non-polar, at codon 2228 of the GPR179 protein (p.Asp2228Ala). This variant is present in population databases (rs374054393, gnomAD 0.03%). This variant has not been reported in the literature in individuals affected with GPR179-related conditions. ClinVar contains an entry for this variant (Variation ID: 2341243). An algorithm developed to predict the effect of missense changes on protein structure and function (PolyPhen-2) suggests that this variant is likely to be disruptive. In summary, the available evidence is currently insufficient to determine the role of this variant in disease. Therefore, it has been classified as a Variant of Uncertain Significance.

Blueprint Genetics
Classification: Uncertain significance. Last evaluated: 2022-06-24. Review status: criteria provided, single submitter. Criteria: ACMG Guidelines, 2015. Collection method: clinical testing. Allele origin: germline.

Ambry Genetics
Classification: Uncertain significance for Inborn genetic diseases. Last evaluated: 2021-09-01. Review status: criteria provided, single submitter. Criteria: Ambry Variant Classification Scheme 2023. Collection method: clinical testing. Allele origin: germline.